The following is an entry in ClinVar:

NM_001106.4(ACVR2B):c.926G>A (p.Arg309His)

Gene: ACVR2B (activin A receptor type 2B; plus strand). Cytogenetic location: 3p22.2.
Variant type: single nucleotide variant.
Coding change: c.926G>A on transcript NM_001106.4 (MANE Select); coding-DNA position 926, G replaced by A.
Protein change: p.Arg309His; replaces arginine 309 with histidine.
Molecular consequence: missense variant.
Genome position (GRCh38, 1-based): chr3:38,479,793, G>A. VCF-style: chr3-38479793-G-A. GRCh37 (hg19) VCF-style: chr3-38521284-G-A.
Other names: short protein forms R309H.
Identifiers: ClinVar variation 579193 (VCV000579193.8), dbSNP rs138692827, ClinGen allele CA2318942.

ClinVar aggregate classification (germline): Uncertain significance. Review status: criteria provided, multiple submitters, no conflicts (2 of 4 stars). 2 submissions from 2 submitters: Uncertain significance (2). Last evaluated 2025-11-13.

Conditions:
Heterotaxy, visceral, 4, autosomal (HTX4). Identifiers: Orphanet 450, MedGen C3151057, MONDO:0013403, OMIM 613751.

Allele frequency attached by ClinVar (database versions not stated): gnomAD exomes 0.00001; ExAC 0.00002; ESP Exome Variant Server 0.00008; TOPMed 0.00011; 1000 Genomes Project 30x 0.00031; 1000 Genomes Project 0.00040.
gnomAD v4.1: 32 of 1,614,244 alleles (0.002%); highest among the groups gnomAD compares: African/African-American, 0.025%; no homozygotes.

Submissions (2):

Ambry Genetics
Classification: Uncertain significance. Last evaluated: 2025-11-13. Review status: criteria provided, single submitter. Criteria: Ambry Variant Classification Scheme 2023. Collection method: clinical testing. Allele origin: germline.

Labcorp Genetics (formerly Invitae), Labcorp
Classification: Uncertain significance for Heterotaxy, visceral, 4, autosomal. Last evaluated: 2025-10-26. Review status: criteria provided, single submitter. Criteria: Invitae Variant Classification Sherloc (09022015). Collection method: clinical testing. Allele origin: germline.
Comment: This sequence change replaces arginine, which is basic and polar, with histidine, which is basic and polar, at codon 309 of the ACVR2B protein (p.Arg309His). This variant is present in population databases (rs138692827, gnomAD 0.02%). This variant has not been reported in the literature in individuals affected with ACVR2B-related conditions. ClinVar contains an entry for this variant (Variation ID: 579193). Invitae Evidence Modeling of protein sequence and biophysical properties (such as structural, functional, and spatial information, amino acid conservation, physicochemical variation, residue mobility, and thermodynamic stability) indicates that this missense variant is not expected to disrupt ACVR2B protein function with a negative predictive value of 95%. In summary, the available evidence is currently insufficient to determine the role of this variant in disease. Therefore, it has been classified as a Variant of Uncertain Significance.